The following is an entry in ClinVar:

NM_007194.4(CHEK2):c.532G>C (p.Gly178Arg)

Gene: CHEK2 (checkpoint kinase 2; minus strand). Cytogenetic location: 22q12.1.
Variant type: single nucleotide variant.
Coding change: c.532G>C on transcript NM_007194.4 (MANE Select); coding-DNA position 532, G replaced by C.
Protein change: p.Gly178Arg; replaces glycine 178 with arginine.
Molecular consequence: missense variant. On other transcripts: 5 prime UTR variant (2), intron variant (1).
Genome position (GRCh38, 1-based): chr22:28,725,037, C>G on the plus strand (G>C on the coding strand, the complement: CHEK2 is on the minus strand). VCF-style: chr22-28725037-C-G. GRCh37 (hg19) VCF-style: chr22-29121025-C-G.
Other names: c.661G>C, p.Gly221Arg (NM_001005735.3, NM_001438294.1); c.-246G>C (NM_001257387.3); c.-132G>C (NM_001437942.1); c.625G>C, p.Gly209Arg (NM_001438293.1, NM_001438295.1); c.532G>C, p.Gly178Arg (NM_145862.3); c.445-114G>C (NM_001349956.3); short protein forms G221R, G178R, G209R.
Identifiers: ClinVar variation 656683 (VCV000656683.13), dbSNP rs1457055483, ClinGen allele CA411107262.

ClinVar aggregate classification (germline): Uncertain significance. Review status: criteria provided, multiple submitters, no conflicts (2 of 4 stars). 3 submissions from 3 submitters: Uncertain significance (3). Last evaluated 2024-12-12.

Conditions:
Hereditary cancer-predisposing syndrome. Also called: Hereditary neoplastic syndrome; Tumor predisposition; Neoplastic Syndromes, Hereditary; Hereditary Cancer Syndrome. Identifiers: Orphanet 140162, MedGen C0027672, MeSH D009386, MONDO:0015356.
Familial cancer of breast. Also called: Hereditary breast cancer; hereditary breast carcinoma; BREAST CANCER, FAMILIAL. Identifiers: Orphanet 227535, MedGen C0346153, MONDO:0016419, OMIM 114480. Disease mechanism: loss of function.

Submissions (3):

Ambry Genetics
Classification: Uncertain significance for Hereditary cancer-predisposing syndrome. Last evaluated: 2024-12-12. Review status: criteria provided, single submitter. Criteria: Ambry Variant Classification Scheme 2023. Collection method: clinical testing. Allele origin: germline.
Comment: The p.G178R variant (also known as c.532G>C), located in coding exon 3 of the CHEK2 gene, results from a G to C substitution at nucleotide position 532. The glycine at codon 178 is replaced by arginine, an amino acid with dissimilar properties. This amino acid position is well conserved in available vertebrate species. In addition, the in silico prediction for this alteration is inconclusive. Based on the available evidence, the clinical significance of this variant remains unclear.

Color Diagnostics, LLC DBA Color Health
Classification: Uncertain significance for Hereditary cancer-predisposing syndrome. Last evaluated: 2019-01-31. Review status: criteria provided, single submitter. Criteria: ACMG Guidelines, 2015. Collection method: clinical testing. Allele origin: germline.

Labcorp Genetics (formerly Invitae), Labcorp
Classification: Uncertain significance for Familial cancer of breast. Last evaluated: 2018-08-07. Review status: criteria provided, single submitter. Criteria: Invitae Variant Classification Sherloc (09022015). Collection method: clinical testing. Allele origin: germline.
Comment: This sequence change replaces glycine with arginine at codon 178 of the CHEK2 protein (p.Gly178Arg). The glycine residue is highly conserved and there is a moderate physicochemical difference between glycine and arginine. This variant is not present in population databases (ExAC no frequency). This variant has not been reported in the literature in individuals with CHEK2-related disease. Algorithms developed to predict the effect of missense changes on protein structure and function are either unavailable or do not agree on the potential impact of this missense change (SIFT: "Deleterious"; PolyPhen-2: "Probably Damaging"; Align-GVGD: "Class C15"). In summary, the available evidence is currently insufficient to determine the role of this variant in disease. Therefore, it has been classified as a Variant of Uncertain Significance.